The following is an entry in ClinVar:

NM_016529.6(ATP8A2):c.3424C>T (p.Pro1142Ser)

Gene: ATP8A2 (ATPase phospholipid transporting 8A2). Cytogenetic location: 13q12.13.
Variant type: single nucleotide variant.
Coding change: c.3424C>T on transcript NM_016529.6 (MANE Select); coding-DNA position 3424, C replaced by T.
Protein change: p.Pro1142Ser; replaces proline 1142 with serine.
Molecular consequence: missense variant.
Genome position (GRCh38, 1-based): chr13:26,012,577, C>T. VCF-style: chr13-26012577-C-T. GRCh37 (hg19) VCF-style: chr13-26586715-C-T.
Other names: c.3229C>T, p.Pro1077Ser (NM_001313741.1); c.3349C>T, p.Pro1117Ser (NM_001411005.1); short protein forms P1142S, P1077S, P1117S.
Identifiers: ClinVar variation 1921873 (VCV001921873.5), dbSNP rs978321783, ClinGen allele CA247152112.

ClinVar aggregate classification (germline): Uncertain significance (1 of 4 stars; one submission).

Allele frequency attached by ClinVar (database versions not stated): gnomAD exomes below 0.00001.
gnomAD v4.1: 5 of 1,529,740 alleles (0.00033%); highest among the groups gnomAD compares: Non-Finnish European, 0.00044%; no homozygotes.

Submission:

Labcorp Genetics (formerly Invitae), Labcorp
Classification: Uncertain significance. Last evaluated: 2024-10-15. Review status: criteria provided, single submitter. Criteria: Invitae Variant Classification Sherloc (09022015). Collection method: clinical testing. Allele origin: germline.
Comment: This sequence change replaces proline, which is neutral and non-polar, with serine, which is neutral and polar, at codon 1142 of the ATP8A2 protein (p.Pro1142Ser). This variant is not present in population databases (gnomAD no frequency). This variant has not been reported in the literature in individuals affected with ATP8A2-related conditions. ClinVar contains an entry for this variant (Variation ID: 1921873). An algorithm developed to predict the effect of missense changes on protein structure and function (PolyPhen-2) suggests that this variant is likely to be disruptive. In summary, the available evidence is currently insufficient to determine the role of this variant in disease. Therefore, it has been classified as a Variant of Uncertain Significance.